The following is an entry in ClinVar:

NM_138477.4(CDAN1):c.340C>T (p.Pro114Ser)

Genes: CDAN1 (codanin 1; minus strand), LOC130056931 (ATAC-STARR-seq lymphoblastoid silent region 6376; plus strand). Cytogenetic location: 15q15.2.
Variant type: single nucleotide variant.
Coding change: c.340C>T on transcript NM_138477.4 (MANE Select); coding-DNA position 340, C replaced by T.
Protein change: p.Pro114Ser; replaces proline 114 with serine.
Molecular consequence: missense variant.
Genome position (GRCh38, 1-based): chr15:42,736,531, G>A on the plus strand (C>T on the coding strand, the complement: CDAN1 is on the minus strand). VCF-style: chr15-42736531-G-A. GRCh37 (hg19) VCF-style: chr15-43028729-G-A.
Other names: short protein forms P114S.
Identifiers: ClinVar variation 1943298 (VCV001943298.2), dbSNP rs937231408, ClinGen allele CA392059832.
Genomic context (GRCh38, chr15:42,736,531, plus strand): 5'-GGCCTCCACGCTCGCGGGCCGGCCCCGGGCCCCGCCTCCTGCCCCCGCGGCGGGCCAGAG[G>A]GGCCTCGGCAGCGGTGCTCTGGGCCTCGGTCGGAGGGAAAAGCTGGCTGCGCGCCCCGCG-3'
Protein context (NP_612486.2, residues 104-124): TEAQSTAAEA[Pro114Ser]LARRGGRRRG

ClinVar aggregate classification (germline): Uncertain significance (1 of 4 stars; one submission).

Submission:

Labcorp Genetics (formerly Invitae), Labcorp
Classification: Uncertain significance. Last evaluated: 2022-08-19. Review status: criteria provided, single submitter. Criteria: Invitae Variant Classification Sherloc (09022015). Collection method: clinical testing. Allele origin: germline.
Comment: This sequence change replaces proline, which is neutral and non-polar, with serine, which is neutral and polar, at codon 114 of the CDAN1 protein (p.Pro114Ser). This variant is not present in population databases (gnomAD no frequency). This variant has not been reported in the literature in individuals affected with CDAN1-related conditions. Algorithms developed to predict the effect of missense changes on protein structure and function are either unavailable or do not agree on the potential impact of this missense change (SIFT: "Tolerated"; PolyPhen-2: "Probably Damaging"; Align-GVGD: "Class C0"). In summary, the available evidence is currently insufficient to determine the role of this variant in disease. Therefore, it has been classified as a Variant of Uncertain Significance.